The following is an entry in ClinVar:

NM_000257.4(MYH7):c.2526T>C (p.Ser842=)

Genes: MYH7 (myosin heavy chain 7; minus strand), LOC126861898 (BRD4-independent group 4 enhancer GRCh37_chr14:23893609-23894808; plus strand). Cytogenetic location: 14q11.2.
Variant type: single nucleotide variant.
Coding change: c.2526T>C on transcript NM_000257.4 (MANE Select); coding-DNA position 2526, T replaced by C.
Protein change: p.Ser842=; no amino-acid change (serine 842 retained).
Molecular consequence: synonymous variant.
Genome position (GRCh38, 1-based): chr14:23,424,922, A>G on the plus strand (T>C on the coding strand, the complement: MYH7 is on the minus strand). VCF-style: chr14-23424922-A-G. GRCh37 (hg19) VCF-style: chr14-23894131-A-G.
Other names: p.S842S:AGT>AGC; c.2526T>C (LRG_384t1).
Identifiers: ClinVar variation 181161 (VCV000181161.41), dbSNP rs554560162, ClinGen allele CA012544.

ClinVar aggregate classification (germline): Conflicting classifications of pathogenicity. Review status: criteria provided, conflicting classifications (1 of 4 stars). 14 submissions from 12 submitters: Uncertain significance (2); Benign (2); Likely benign (7). 3 of the submissions do not count toward it. Last evaluated 2026-07-01.

Conditions:
MYH7-related disorder. Also called: MYH7-related disorders; MYH7-related condition; MYH7-related disease.
Myosin storage myopathy (CMYO7A). Also called: MYH7-related late-onset scapuloperoneal muscular dystrophy; Congenital myopathy 7A, myosin storage, autosomal dominant; MYOPATHY, HYALINE BODY, AUTOSOMAL DOMINANT; SCAPULOPERONEAL MUSCULAR DYSTROPHY; SCAPULOPERONEAL SYNDROME, MYOPATHIC TYPE; Scapuloperoneal myopathy, MYH7-related. Identifiers: Orphanet 437572, Orphanet 636965, MedGen C1842160, MONDO:0008409, OMIM 608358.
Cardiovascular phenotype. Identifiers: MedGen CN230736.
Cardiomyopathy (CMYO). Also called: Cardiomyopathies. Identifiers: Orphanet 167848, MedGen C0878544, MONDO:0004994, HP:0001638. Inheritance: Various modes of inheritance.
MYH7-related skeletal myopathy. Also called: MYOPATHY, DISTAL, EARLY-ONSET, AUTOSOMAL DOMINANT; MYOPATHY, LATE DISTAL HEREDITARY; Myopathy, distal, 1; Laing distal myopathy; Laing early-onset distal myopathy. Identifiers: Orphanet 59135, MedGen C4552004, MONDO:0008050, OMIM 160500.
Hypertrophic cardiomyopathy 1 (CMH1). Also called: Familial hypertrophic cardiomyopathy 1; MYH7-Related Familial Hypertrophic Cardiomyopathy. Identifiers: MedGen C3495498, MONDO:0008647, OMIM 192600.
Hypertrophic cardiomyopathy. Also called: HYPERTROPHIC MYOCARDIOPATHY. Identifiers: Orphanet 217569, MedGen C0007194, MeSH D002312, MONDO:0005045, HP:0001639.

Allele frequency attached by ClinVar (database versions not stated): gnomAD exomes 0.00005 and 0.00013; TOPMed 0.00009; gnomAD 0.00013 and 0.00014; ExAC 0.00015; 1000 Genomes Project 30x 0.00031; 1000 Genomes Project 0.00040.
gnomAD v4.1: 129 of 1,613,976 alleles (0.008%); highest among the groups gnomAD compares: South Asian, 0.063%; no homozygotes.

Submissions (14):

CeGaT Center for Human Genetics Tuebingen
Classification: Likely benign. Last evaluated: 2026-07-01. Review status: criteria provided, single submitter. Criteria: CeGaT Center For Human Genetics Tuebingen Variant Classification Criteria Version 2. Collection method: clinical testing. Allele origin: germline. Affected: yes. Observed: 2 variant alleles.
Comment: MYH7: BP4, BP7

PreventionGenetics, part of Exact Sciences
Classification: Likely benign for MYH7-related condition. Last evaluated: 2026-01-14. Review status: criteria provided, single submitter. Criteria: ACMG Guidelines, 2015. Collection method: clinical testing. Allele origin: germline.
Comment: This variant is classified as likely benign based on ACMG/AMP sequence variant interpretation guidelines (Richards et al. 2015 PMID: 25741868, with internal and published modifications).

Labcorp Genetics (formerly Invitae), Labcorp
Classification: Likely benign for Hypertrophic cardiomyopathy. Last evaluated: 2025-12-03. Review status: criteria provided, single submitter. Criteria: Invitae Variant Classification Sherloc (09022015). Collection method: clinical testing. Allele origin: germline.

Blueprint Genetics
Classification: Likely benign. Last evaluated: 2024-10-09. Review status: criteria provided, single submitter. Criteria: ACMG Guidelines, 2015. Collection method: clinical testing. Allele origin: germline.

CHEO Genetics Diagnostic Laboratory, Children's Hospital of Eastern Ontario
Classification: Likely benign for Cardiomyopathy. Last evaluated: 2023-01-06. Review status: criteria provided, single submitter. Criteria: ACMG Guidelines, 2015. Collection method: clinical testing. Allele origin: germline.

Color Diagnostics, LLC DBA Color Health
Classification: Likely benign for Cardiomyopathy. Last evaluated: 2018-05-12. Review status: criteria provided, single submitter. Criteria: ACMG Guidelines, 2015. Collection method: clinical testing. Allele origin: germline.

Illumina Laboratory Services, Illumina
Classification: Uncertain significance for Myosin storage myopathy. Last evaluated: 2018-01-13. Review status: criteria provided, single submitter. Criteria: ICSL Variant Classification Criteria 13 December 2019. Collection method: clinical testing. Allele origin: germline.

Illumina Laboratory Services, Illumina
Classification: Uncertain significance for Hypertrophic cardiomyopathy 1. Last evaluated: 2018-01-13. Review status: criteria provided, single submitter. Criteria: ICSL Variant Classification Criteria 13 December 2019. Collection method: clinical testing. Allele origin: germline.

Illumina Laboratory Services, Illumina
Classification: Benign for MYH7-related skeletal myopathy. Last evaluated: 2018-01-13. Review status: criteria provided, single submitter. Criteria: ICSL Variant Classification Criteria 13 December 2019. Collection method: clinical testing. Allele origin: germline.
Comment: This variant was observed in the ICSL laboratory as part of a predisposition screen in an ostensibly healthy population. It had not been previously curated by ICSL or reported in the Human Gene Mutation Database (HGMD: prior to June 1st, 2018), and was therefore a candidate for classification through an automated scoring system. Utilizing variant allele frequency, disease prevalence and penetrance estimates, and inheritance mode, an automated score was calculated to assess if this variant is too frequent to cause the disease. Based on the score and internal cut-off values, a variant classified as benign is not then subjected to further curation. The score for this variant resulted in a classification of benign for this disease.

Ambry Genetics
Classification: Likely benign for Cardiovascular phenotype. Last evaluated: 2015-04-08. Review status: criteria provided, single submitter. Criteria: Ambry Variant Classification Scheme 2023. Collection method: clinical testing. Allele origin: germline.

GeneDx
Classification: Benign. Last evaluated: 2014-09-19. Review status: criteria provided, single submitter. Criteria: GeneDx Variant Classification (06012015). Collection method: clinical testing. Allele origin: germline. Affected: yes.
Comment: This variant is considered likely benign or benign based on one or more of the following criteria: it is a conservative change, it occurs at a poorly conserved position in the protein, it is predicted to be benign by multiple in silico algorithms, and/or has population frequency not consistent with disease.

Clinical Genetics, Academic Medical Center
Classification: Benign. Review status: no assertion criteria provided. Collection method: clinical testing. Allele origin: germline. Affected: yes. Study: VKGL Data-share Consensus. Not counted in ClinVar's aggregate classification.

Genome Diagnostics Laboratory, University Medical Center Utrecht
Classification: Likely benign. Review status: no assertion criteria provided. Collection method: clinical testing. Allele origin: germline. Affected: yes. Study: VKGL Data-share Consensus. Not counted in ClinVar's aggregate classification.

Joint Genome Diagnostic Labs from Nijmegen and Maastricht, Radboudumc and MUMC+
Classification: Likely benign. Review status: no assertion criteria provided. Collection method: clinical testing. Allele origin: germline. Affected: yes. Study: VKGL Data-share Consensus. Not counted in ClinVar's aggregate classification.